The following is an entry in ClinVar:

NM_138694.4(PKHD1):c.8807_8809dup (p.His2936_Val2937insAsp)

Gene: PKHD1 (PKHD1 ciliary IPT domain containing fibrocystin/polyductin; minus strand). Cytogenetic location: 6p12.3.
Variant type: Duplication.
Coding change: c.8807_8809dup on transcript NM_138694.4 (MANE Select); coding-DNA positions 8807 to 8809, 3 bases duplicated (ATG; older notation c.8807_8809dupATG).
Protein change: p.His2936_Val2937insAsp.
Molecular consequence: inframe insertion.
Genome position (GRCh38, 1-based): chr6:51,753,342-51,753,344, CAT duplicated on the plus strand (ATG on the coding strand, the reverse complement: PKHD1 is on the minus strand). VCF-style (leftmost placement, unchanged base first): chr6-51753341-A-ACAT. GRCh37 (hg19) VCF-style: chr6-51618139-A-ACAT.
Other names: c.8807_8809dup, p.His2936_Val2937insAsp (NM_170724.3).
Identifiers: ClinVar variation 3348406 (VCV003348406.1).

ClinVar aggregate classification (germline): Uncertain significance (0 of 4 stars; one submission).

Conditions:
PKHD1-related disorder. Also called: PKHD1-related condition.

Submission:

PreventionGenetics, part of Exact Sciences
Classification: Uncertain significance for PKHD1-related condition. Last evaluated: 2024-03-06. Review status: no assertion criteria provided. Collection method: clinical testing. Allele origin: germline.
Comment: The PKHD1 c.8807_8809dupATG variant is predicted to result in an in-frame duplication (p.His2936_Val2937insAsp). To our knowledge, this variant has not been reported in the literature or in a large population database, indicating this variant is rare. At this time, the clinical significance of this variant is uncertain due to the absence of conclusive functional and genetic evidence.